The following is an entry in ClinVar:

ClinVar aggregate classification (germline): Likely benign (1 of 4 stars; one submission).

Conditions:
Oligodontia-cancer predisposition syndrome. Also called: TOOTH AGENESIS-COLORECTAL CANCER SYNDROME. Identifiers: Orphanet 300576, MedGen C1837750, MONDO:0012075, OMIM 608615. Disease mechanism: loss of function.

Submission:

Myriad Genetics, Inc.
Classification: Likely benign for Oligodontia-cancer predisposition syndrome. Last evaluated: 2024-07-01. Review status: criteria provided, single submitter. Criteria: Myriad Autosomal Dominant, Autosomal Recessive and X-Linked Classification Criteria (2023). Collection method: clinical testing. Allele origin: unknown.
Comment: This variant is considered likely benign. This variant is intronic and is not expected to impact mRNA splicing.

NM_004655.4(AXIN2):c.1200+6G>T

Gene: AXIN2 (axin 2; minus strand). Cytogenetic location: 17q24.1.
Variant type: single nucleotide variant.
Coding change: c.1200+6G>T on transcript NM_004655.4 (MANE Select); 6 bases into the intron after coding-DNA position 1200, G replaced by T.
Molecular consequence: intron variant.
Genome position (GRCh38, 1-based): chr17:65,538,197, C>A on the plus strand (G>T on the coding strand, the complement: AXIN2 is on the minus strand). VCF-style: chr17-65538197-C-A. GRCh37 (hg19) VCF-style: chr17-63534315-C-A.
Other names: c.1200+6G>T (NM_001363813.1).
Identifiers: ClinVar variation 3379221 (VCV003379221.1).